The following is an entry in ClinVar:

NM_001130823.3(DNMT1):c.1046C>T (p.Thr349Met)

Gene: DNMT1 (DNA methyltransferase 1; minus strand). Cytogenetic location: 19p13.2.
Variant type: single nucleotide variant.
Coding change: c.1046C>T on transcript NM_001130823.3 (MANE Select); coding-DNA position 1046, C replaced by T.
Protein change: p.Thr349Met; replaces threonine 349 with methionine.
Molecular consequence: missense variant.
Genome position (GRCh38, 1-based): chr19:10,160,061, G>A on the plus strand (C>T on the coding strand, the complement: DNMT1 is on the minus strand). VCF-style: chr19-10160061-G-A. GRCh37 (hg19) VCF-style: chr19-10270737-G-A.
Other names: c.998C>T, p.Thr333Met (NM_001318730.2, NM_001379.4); c.683C>T, p.Thr228Met (NM_001318731.2); c.1046C>T (NM_001130823.2); short protein forms T228M, T349M, T333M.
Identifiers: ClinVar variation 846156 (VCV000846156.10), dbSNP rs775954754, ClinGen allele CA9188415.

ClinVar aggregate classification (germline): Uncertain significance. Review status: criteria provided, multiple submitters, no conflicts (2 of 4 stars). 3 submissions from 3 submitters: Uncertain significance (3). Last evaluated 2026-04-23.

Conditions:
DNMT1-related disorder. Also called: DNMT1-related condition. Identifiers: MedGen CN381527.
Hereditary sensory neuropathy-deafness-dementia syndrome. Also called: Hereditary Sensory and Autonomic Neuropathy Type 1E (HSAN1E); HSN IE; Hereditary sensory neuropathy type IE; NEUROPATHY, HEREDITARY SENSORY, WITH HEARING LOSS AND DEMENTIA. Identifiers: Orphanet 456318, MedGen C3279885, MONDO:0013584, OMIM 614116.
Inborn genetic diseases. Identifiers: MedGen C0950123, MeSH D030342.

Allele frequency attached by ClinVar (database versions not stated): ExAC 0.00002; gnomAD exomes 0.00002; TOPMed 0.00005; gnomAD 0.00006 and 0.00007.
gnomAD v4.1: 38 of 1,526,034 alleles (0.0025%); highest among the groups gnomAD compares: African/African-American, 0.012%; no homozygotes.

Submissions (3):

PreventionGenetics, part of Exact Sciences
Classification: Uncertain significance for DNMT1-related condition. Last evaluated: 2026-04-23. Review status: criteria provided, single submitter. Criteria: ACMG Guidelines, 2015. Collection method: clinical testing. Allele origin: germline.
Comment: The DNMT1 c.1046C>T variant is predicted to result in the amino acid substitution p.Thr349Met. To our knowledge, this variant has not been reported in the literature. This variant is reported in 0.0061% of alleles in individuals of African descent in gnomAD. At this time, the clinical significance of this variant is uncertain due to the absence of conclusive functional and genetic evidence.

Labcorp Genetics (formerly Invitae), Labcorp
Classification: Uncertain significance for Hereditary sensory neuropathy-deafness-dementia syndrome. Last evaluated: 2026-01-26. Review status: criteria provided, single submitter. Criteria: Invitae Variant Classification Sherloc (09022015). Collection method: clinical testing. Allele origin: germline.
Comment: This sequence change replaces threonine, which is neutral and polar, with methionine, which is neutral and non-polar, at codon 349 of the DNMT1 protein (p.Thr349Met). This variant is present in population databases (rs775954754, gnomAD 0.006%). This variant has not been reported in the literature in individuals affected with DNMT1-related conditions. ClinVar contains an entry for this variant (Variation ID: 846156). An algorithm developed to predict the effect of missense changes on protein structure and function outputs the following: PolyPhen-2: "Benign". The methionine amino acid residue is found in multiple mammalian species, which suggests that this missense change does not adversely affect protein function. In summary, the available evidence is currently insufficient to determine the role of this variant in disease. Therefore, it has been classified as a Variant of Uncertain Significance.

Ambry Genetics
Classification: Uncertain significance for Inborn genetic diseases. Last evaluated: 2021-09-17. Review status: criteria provided, single submitter. Criteria: Ambry Variant Classification Scheme 2023. Collection method: clinical testing. Allele origin: germline.
Comment: The p.T333M variant (also known as c.998C>T), located in coding exon 14 of the DNMT1 gene, results from a C to T substitution at nucleotide position 998. The threonine at codon 333 is replaced by methionine, an amino acid with similar properties. This amino acid position is not well conserved in available vertebrate species, and methionine is the reference amino acid in other vertebrate species. In addition, this alteration is predicted to be tolerated by in silico analysis. Since supporting evidence is limited at this time, the clinical significance of this alteration remains unclear.